The following is an entry in ClinVar:

ClinVar aggregate classification (germline): Uncertain significance (1 of 4 stars; one submission).

Conditions:
Chédiak-Higashi syndrome (CHS). Also called: Chediak-Higashi Syndrome. Identifiers: Orphanet 167, MedGen C0007965, MONDO:0008963, OMIM 214500.

gnomAD v4.1: 2 of 1,613,934 alleles (0.00012%); no homozygotes.

Submission:

Labcorp Genetics (formerly Invitae), Labcorp
Classification: Uncertain significance for Chédiak-Higashi syndrome. Last evaluated: 2022-05-15. Review status: criteria provided, single submitter. Criteria: Invitae Variant Classification Sherloc (09022015). Collection method: clinical testing. Allele origin: germline.
Comment: This sequence change replaces proline, which is neutral and non-polar, with alanine, which is neutral and non-polar, at codon 936 of the LYST protein (p.Pro936Ala). This variant is not present in population databases (gnomAD no frequency). This variant has not been reported in the literature in individuals affected with LYST-related conditions. Algorithms developed to predict the effect of missense changes on protein structure and function are either unavailable or do not agree on the potential impact of this missense change (SIFT: "Tolerated"; PolyPhen-2: "Probably Damaging"; Align-GVGD: "Class C0"). In summary, the available evidence is currently insufficient to determine the role of this variant in disease. Therefore, it has been classified as a Variant of Uncertain Significance.

NM_000081.4(LYST):c.2806C>G (p.Pro936Ala)

Gene: LYST (lysosomal trafficking regulator; minus strand). Cytogenetic location: 1q42.3.
Variant type: single nucleotide variant.
Coding change: c.2806C>G on transcript NM_000081.4 (MANE Select); coding-DNA position 2806, C replaced by G.
Protein change: p.Pro936Ala; replaces proline 936 with alanine.
Molecular consequence: missense variant.
Genome position (GRCh38, 1-based): chr1:235,806,330, G>C on the plus strand (C>G on the coding strand, the complement: LYST is on the minus strand). VCF-style: chr1-235806330-G-C. GRCh37 (hg19) VCF-style: chr1-235969630-G-C.
Other names: c.2806C>G, p.Pro936Ala (NM_001301365.1); short protein forms P936A.
Identifiers: ClinVar variation 1994607 (VCV001994607.2), dbSNP rs750810868, ClinGen allele CA344955166.